The following is an entry in ClinVar:

ClinVar aggregate classification (germline): Uncertain significance. Review status: criteria provided, multiple submitters, no conflicts (2 of 4 stars). 2 submissions from 2 submitters: Uncertain significance (2). Last evaluated 2025-10-26.

Conditions:
Familial focal epilepsy with variable foci (FPEVF). Identifiers: Orphanet 98820, MedGen C1858477, MONDO:0020310.

gnomAD v4.1: 1 of 1,585,968 alleles (0.000063%); highest among the groups gnomAD compares: Non-Finnish European, 0.000086%; no homozygotes.

Submissions (2):

Labcorp Genetics (formerly Invitae), Labcorp
Classification: Uncertain significance for Familial focal epilepsy with variable foci. Last evaluated: 2025-10-26. Review status: criteria provided, single submitter. Criteria: Invitae Variant Classification Sherloc (09022015). Collection method: clinical testing. Allele origin: germline.
Comment: This sequence change replaces proline, which is neutral and non-polar, with arginine, which is basic and polar, at codon 1603 of the DEPDC5 protein (p.Pro1603Arg). This variant is not present in population databases (gnomAD no frequency). This variant has not been reported in the literature in individuals affected with DEPDC5-related conditions. ClinVar contains an entry for this variant (Variation ID: 2155592). Experimental studies and prediction algorithms are not available or were not evaluated, and the functional significance of this variant is currently unknown. Algorithms developed to predict the effect of sequence changes on RNA splicing suggest that this variant may create or strengthen a splice site. In summary, the available evidence is currently insufficient to determine the role of this variant in disease. Therefore, it has been classified as a Variant of Uncertain Significance.

GeneDx
Classification: Uncertain significance. Last evaluated: 2024-05-14. Review status: criteria provided, single submitter. Criteria: GeneDx Variant Classification Process June 2021. Collection method: clinical testing. Allele origin: germline. Affected: yes.
Comment: Not observed at significant frequency in large population cohorts (gnomAD); In silico analysis indicates that this missense variant does not alter protein structure/function; Has not been previously published as pathogenic or benign to our knowledge; In silico analysis suggests this variant may impact gene splicing. In the absence of RNA/functional studies, the actual effect of this sequence change is unknown.

NM_001242896.3(DEPDC5):c.4808C>G (p.Pro1603Arg)

Gene: DEPDC5 (DEP domain containing 5, GATOR1 subcomplex subunit; plus strand). Cytogenetic location: 22q12.3.
Variant type: single nucleotide variant.
Coding change: c.4808C>G on transcript NM_001242896.3 (MANE Select); coding-DNA position 4808, C replaced by G.
Protein change: p.Pro1603Arg; replaces proline 1603 with arginine.
Molecular consequence: missense variant. On other transcripts: non-coding transcript variant (5).
Genome position (GRCh38, 1-based): chr22:31,906,493, C>G. VCF-style: chr22-31906493-C-G. GRCh37 (hg19) VCF-style: chr22-32302479-C-G.
Other names: c.4781C>G, p.Pro1594Arg (NM_001136029.4); c.4508C>G, p.Pro1503Arg (NM_001242897.2); c.4742C>G, p.Pro1581Arg (NM_001363852.2, NM_001364320.2); c.4574C>G, p.Pro1525Arg (NM_001363854.2, NM_001364319.2); c.4808C>G, p.Pro1603Arg (NM_001364318.2); c.4724C>G, p.Pro1575Arg (NM_001369901.1, NM_001369902.1); c.4715C>G, p.Pro1572Arg (NM_001369903.1, NM_014662.6); c.4808C>G (NM_001242896.1); short protein forms P1575R, P1603R, P1503R, P1581R, P1572R, P1525R, P1594R.
Identifiers: ClinVar variation 2155592 (VCV002155592.5), dbSNP rs755174447, ClinGen allele CA411293341.